The following is an entry in ClinVar:

ClinVar aggregate classification (germline): Uncertain significance (1 of 4 stars; one submission).

Conditions:
Hereditary diffuse gastric adenocarcinoma (HDGC). Also called: DIFFUSE GASTRIC AND LOBULAR BREAST CANCER SYNDROME. Identifiers: Orphanet 26106, MedGen C1708349, MONDO:0007648, OMIM 137215.

Submission:

Labcorp Genetics (formerly Invitae), Labcorp
Classification: Uncertain significance for Hereditary diffuse gastric adenocarcinoma. Last evaluated: 2023-09-29. Review status: criteria provided, single submitter. Criteria: Invitae Variant Classification Sherloc (09022015). Collection method: clinical testing. Allele origin: germline.
Comment: In summary, the available evidence is currently insufficient to determine the role of this variant in disease. Therefore, it has been classified as a Variant of Uncertain Significance. This variant disrupts the p.Arg732 amino acid residue in CDH1. Other variant(s) that disrupt this residue have been determined to be pathogenic (PMID: 15235021, 17545690, 18442100, 26072394, 29589180). This suggests that this residue is clinically significant, and that variants that disrupt this residue are likely to be disease-causing. Algorithms developed to predict the effect of sequence changes on RNA splicing suggest that this variant may disrupt the consensus splice site. An algorithm developed to predict the effect of missense changes on protein structure and function (PolyPhen-2) suggests that this variant is likely to be disruptive. ClinVar contains an entry for this variant (Variation ID: 1999830). This variant has not been reported in the literature in individuals affected with CDH1-related conditions. This variant is not present in population databases (gnomAD no frequency). This sequence change replaces arginine, which is basic and polar, with glycine, which is neutral and non-polar, at codon 732 of the CDH1 protein (p.Arg732Gly).

Literature cited by the submitters: PubMed 15235021; PubMed 17545690; PubMed 18442100; PubMed 26072394; PubMed 29589180.

NM_004360.5(CDH1):c.2194C>G (p.Arg732Gly)

Gene: CDH1 (cadherin 1; plus strand). Cytogenetic location: 16q22.1.
Variant type: single nucleotide variant.
Coding change: c.2194C>G on transcript NM_004360.5 (MANE Select); coding-DNA position 2194, C replaced by G.
Protein change: p.Arg732Gly; replaces arginine 732 with glycine.
Molecular consequence: missense variant.
Genome position (GRCh38, 1-based): chr16:68,828,203, C>G. VCF-style: chr16-68828203-C-G. GRCh37 (hg19) VCF-style: chr16-68862106-C-G.
Other names: c.2011C>G, p.Arg671Gly (NM_001317184.2); c.646C>G, p.Arg216Gly (NM_001317185.2); c.229C>G, p.Arg77Gly (NM_001317186.2); short protein forms R77G, R216G, R732G, R671G.
Identifiers: ClinVar variation 1999830 (VCV001999830.4), dbSNP rs864622198, ClinGen allele CA396469464.
Genomic context (GRCh38, chr16:68,828,203, plus strand): 5'-AACACTTGCTCTGTCTCCCCCACCATCCCAGTTCTGATTCTGCTGCTCTTGCTGTTTCTT[C>G]GGAGGAGAGCGGTGGTCAAAGAGCCCTTACTGCCCCCAGAGGATGACACCCGGGACAACG-3'
Protein context (NP_004351.1, residues 722-742): ILILLLLLFL[Arg732Gly]RRAVVKEPLL